The following is an entry in ClinVar:

NM_000052.7(ATP7A):c.659T>C (p.Ile220Thr)

Gene: ATP7A (ATPase copper transporting alpha; plus strand). Cytogenetic location: Xq21.1.
Variant type: single nucleotide variant.
Coding change: c.659T>C on transcript NM_000052.7 (MANE Select); coding-DNA position 659, T replaced by C.
Protein change: p.Ile220Thr; replaces isoleucine 220 with threonine.
Molecular consequence: missense variant.
Genome position (GRCh38, 1-based): chrX:77,989,281, T>C. VCF-style: chrX-77989281-T-C. GRCh37 (hg19) VCF-style: chrX-77244777-T-C.
Other names: c.659T>C, p.Ile220Thr (NM_001282224.2); short protein forms I220T.
Identifiers: ClinVar variation 1418496 (VCV001418496.8), dbSNP rs2149083046, ClinGen allele CA413600522.

ClinVar aggregate classification (germline): Uncertain significance (1 of 4 stars; one submission).

Conditions:
X-linked distal spinal muscular atrophy type 3. Also called: ATP7A-Related Distal Motor Neuropathy; NEURONOPATHY, DISTAL HEREDITARY MOTOR, X-LINKED; NEUROPATHY, DISTAL HEREDITARY MOTOR, X-LINKED; SPINAL MUSCULAR ATROPHY, DISTAL, X-LINKED RECESSIVE. Identifiers: Orphanet 139557, MedGen C1845359, MONDO:0010338, OMIM 300489.
Menkes kinky-hair syndrome (MNK). Also called: Classic Menkes Disease; Copper transport disease; Menkes Disease. Identifiers: Orphanet 565, MedGen C0022716, MONDO:0010651, OMIM 309400.
Cutis laxa, X-linked (OHS). Also called: EDS IX; Occipital horn syndrome. Identifiers: Orphanet 198, MedGen C0268353, MONDO:0010572, OMIM 304150.

Submission:

Labcorp Genetics (formerly Invitae), Labcorp
Classification: Uncertain significance for X-linked distal spinal muscular atrophy type 3; Cutis laxa, X-linked; Menkes kinky-hair syndrome. Last evaluated: 2025-06-29. Review status: criteria provided, single submitter. Criteria: Invitae Variant Classification Sherloc (09022015). Collection method: clinical testing. Allele origin: germline.
Comment: This sequence change replaces isoleucine, which is neutral and non-polar, with threonine, which is neutral and polar, at codon 220 of the ATP7A protein (p.Ile220Thr). This variant is not present in population databases (gnomAD no frequency). This variant has not been reported in the literature in individuals affected with ATP7A-related conditions. ClinVar contains an entry for this variant (Variation ID: 1418496). Invitae Evidence Modeling of protein sequence and biophysical properties (such as structural, functional, and spatial information, amino acid conservation, physicochemical variation, residue mobility, and thermodynamic stability) indicates that this missense variant is not expected to disrupt ATP7A protein function with a negative predictive value of 95%. In summary, the available evidence is currently insufficient to determine the role of this variant in disease. Therefore, it has been classified as a Variant of Uncertain Significance.